The following is an entry in ClinVar:

NM_000264.5(PTCH1):c.1817G>A (p.Arg606Lys)

Genes: PTCH1 (patched 1; minus strand), LOC100507346 (uncharacterized LOC100507346; plus strand). Cytogenetic location: 9q22.32.
Variant type: single nucleotide variant.
Coding change: c.1817G>A on transcript NM_000264.5 (MANE Select); coding-DNA position 1817, G replaced by A.
Protein change: p.Arg606Lys; replaces arginine 606 with lysine.
Molecular consequence: missense variant. On other transcripts: non-coding transcript variant (2).
Genome position (GRCh38, 1-based): chr9:95,469,843, C>T on the plus strand (G>A on the coding strand, the complement: PTCH1 is on the minus strand). VCF-style: chr9-95469843-C-T. GRCh37 (hg19) VCF-style: chr9-98232125-C-T.
Other names: c.1619G>A, p.Arg540Lys (NM_001083602.3); c.1814G>A, p.Arg605Lys (NM_001083603.3); c.1364G>A, p.Arg455Lys (NM_001083604.3, NM_001083605.3, NM_001083606.3 and 1 more transcripts); c.1661G>A, p.Arg554Lys (NM_001354918.2); short protein forms R540K, R455K, R606K, R605K, R554K.
Identifiers: ClinVar variation 1375619 (VCV001375619.11), dbSNP rs748991295, ClinGen allele CA5138515.

ClinVar aggregate classification (germline): Conflicting classifications of pathogenicity. Review status: criteria provided, conflicting classifications (1 of 4 stars). 2 submissions from 2 submitters: Uncertain significance (1); Likely benign (1). Last evaluated 2025-07-31.

Conditions:
Gorlin syndrome. Also called: Basal cell nevus syndrome; Nevoid Basal Cell Carcinoma Syndrome. Identifiers: Orphanet 377, MedGen C0004779, MONDO:0007187.
Hereditary cancer-predisposing syndrome. Also called: Hereditary neoplastic syndrome; Hereditary Cancer Syndrome; Neoplastic Syndromes, Hereditary; Tumor predisposition. Identifiers: Orphanet 140162, MedGen C0027672, MeSH D009386, MONDO:0015356.

Allele frequency attached by ClinVar (database versions not stated): gnomAD exomes below 0.00001; ExAC 0.00001; gnomAD 0.00001.
gnomAD v4.1: 4 of 1,613,938 alleles (0.00025%); highest among the groups gnomAD compares: East Asian, 0.0022%; no homozygotes.

Submissions (2):

Labcorp Genetics (formerly Invitae), Labcorp
Classification: Likely benign for Gorlin syndrome. Last evaluated: 2025-07-31. Review status: criteria provided, single submitter. Criteria: Invitae Variant Classification Sherloc (09022015). Collection method: clinical testing. Allele origin: germline.

Ambry Genetics
Classification: Uncertain significance for Hereditary cancer-predisposing syndrome. Last evaluated: 2024-10-23. Review status: criteria provided, single submitter. Criteria: Ambry Variant Classification Scheme 2023. Collection method: clinical testing. Allele origin: germline.
Comment: The p.R606K variant (also known as c.1817G>A), located in coding exon 13 of the PTCH1 gene, results from a G to A substitution at nucleotide position 1817. The arginine at codon 606 is replaced by lysine, an amino acid with highly similar properties. This amino acid position is conserved. In addition, the in silico prediction for this alteration is inconclusive. Since supporting evidence is limited at this time, the clinical significance of this alteration remains unclear.